The following is an entry in ClinVar:

ClinVar aggregate classification (germline): Uncertain significance. Review status: criteria provided, multiple submitters, no conflicts (2 of 4 stars). 3 submissions from 3 submitters: Uncertain significance (3). Last evaluated 2025-09-08.

Conditions:
Inborn genetic diseases. Identifiers: MedGen C0950123, MeSH D030342.
MYO15A-related disorder. Also called: MYO15A-related condition.

gnomAD v4.1: 2 of 1,613,412 alleles (0.00012%); highest among the groups gnomAD compares: Non-Finnish European, 0.00017%; no homozygotes.

Submissions (3):

PreventionGenetics, part of Exact Sciences
Classification: Uncertain significance for MYO15A-related condition. Last evaluated: 2025-09-08. Review status: criteria provided, single submitter. Criteria: ACMG Guidelines, 2015. Collection method: clinical testing. Allele origin: germline.
Comment: The MYO15A c.6161T>C variant is predicted to result in the amino acid substitution p.Val2054Ala. To our knowledge, this variant has not been reported in the literature or in a large population database (gnomAD), indicating this variant is rare. At this time, the clinical significance of this variant is uncertain due to the absence of conclusive functional and genetic evidence.

Ambry Genetics
Classification: Uncertain significance for Inborn genetic diseases. Last evaluated: 2025-04-09. Review status: criteria provided, single submitter. Criteria: Ambry Variant Classification Scheme 2023. Collection method: clinical testing. Allele origin: germline.

GeneDx
Classification: Uncertain significance. Last evaluated: 2024-11-05. Review status: criteria provided, single submitter. Criteria: GeneDx Variant Classification Process June 2021. Collection method: clinical testing. Allele origin: germline. Affected: yes.
Comment: Not observed at significant frequency in large population cohorts (gnomAD); In silico analysis indicates that this missense variant does not alter protein structure/function; Has not been previously published as pathogenic or benign to our knowledge

NM_016239.4(MYO15A):c.6161T>C (p.Val2054Ala)

Gene: MYO15A (myosin XVA; plus strand). Cytogenetic location: 17p11.2.
Variant type: single nucleotide variant.
Coding change: c.6161T>C on transcript NM_016239.4 (MANE Select); coding-DNA position 6161, T replaced by C.
Protein change: p.Val2054Ala; replaces valine 2054 with alanine.
Molecular consequence: missense variant.
Genome position (GRCh38, 1-based): chr17:18,143,984, T>C. VCF-style: chr17-18143984-T-C. GRCh37 (hg19) VCF-style: chr17-18047298-T-C.
Other names: short protein forms V2054A.
Identifiers: ClinVar variation 3897347 (VCV003897347.3).